The following is an entry in ClinVar:

ClinVar aggregate classification (germline): Uncertain significance. Review status: criteria provided, multiple submitters, no conflicts (2 of 4 stars). 4 submissions from 4 submitters: Uncertain significance (4). Last evaluated 2025-03-24.

Conditions:
Combined immunodeficiency due to LRBA deficiency. Also called: Common variable immunodeficiency 8, with autoimmunity. Identifiers: Orphanet 445018, MedGen C3553512, MONDO:0013863, OMIM 614700.
Inborn genetic diseases. Identifiers: MedGen C0950123, MeSH D030342.

Allele frequency attached by ClinVar (database versions not stated): gnomAD 0.00003; TOPMed 0.00003; gnomAD exomes 0.00004; ExAC 0.00005.
gnomAD v4.1: 69 of 1,612,632 alleles (0.0043%); highest among the groups gnomAD compares: Middle Eastern, 0.016%; no homozygotes.

Submissions (4):

Mayo Clinic Laboratories, Mayo Clinic
Classification: Uncertain significance. Last evaluated: 2025-03-24. Review status: criteria provided, single submitter. Criteria: ACMG Guidelines, 2015. Collection method: clinical testing. Allele origin: germline. Observed: 1 variant allele.

Labcorp Genetics (formerly Invitae), Labcorp
Classification: Uncertain significance for Combined immunodeficiency due to LRBA deficiency. Last evaluated: 2024-10-16. Review status: criteria provided, single submitter. Criteria: Invitae Variant Classification Sherloc (09022015). Collection method: clinical testing. Allele origin: germline.
Comment: This sequence change replaces threonine, which is neutral and polar, with methionine, which is neutral and non-polar, at codon 596 of the LRBA protein (p.Thr596Met). This variant is present in population databases (rs779175495, gnomAD 0.01%). This variant has not been reported in the literature in individuals affected with LRBA-related conditions. ClinVar contains an entry for this variant (Variation ID: 947948). Invitae Evidence Modeling of protein sequence and biophysical properties (such as structural, functional, and spatial information, amino acid conservation, physicochemical variation, residue mobility, and thermodynamic stability) indicates that this missense variant is not expected to disrupt LRBA protein function with a negative predictive value of 80%. In summary, the available evidence is currently insufficient to determine the role of this variant in disease. Therefore, it has been classified as a Variant of Uncertain Significance.

Blueprint Genetics
Classification: Uncertain significance. Last evaluated: 2024-09-13. Review status: criteria provided, single submitter. Criteria: ACMG Guidelines, 2015. Collection method: clinical testing. Allele origin: germline.

Ambry Genetics
Classification: Uncertain significance for Inborn genetic diseases. Last evaluated: 2023-05-17. Review status: criteria provided, single submitter. Criteria: Ambry Variant Classification Scheme 2023. Collection method: clinical testing. Allele origin: germline.

NM_001364905.1(LRBA):c.1787C>T (p.Thr596Met)

Gene: LRBA (LPS responsive beige-like anchor protein; minus strand). Cytogenetic location: 4q31.3.
Variant type: single nucleotide variant.
Coding change: c.1787C>T on transcript NM_001364905.1 (MANE Select); coding-DNA position 1787, C replaced by T.
Protein change: p.Thr596Met; replaces threonine 596 with methionine.
Molecular consequence: missense variant.
Genome position (GRCh38, 1-based): chr4:150,900,186, G>A on the plus strand (C>T on the coding strand, the complement: LRBA is on the minus strand). VCF-style: chr4-150900186-G-A. GRCh37 (hg19) VCF-style: chr4-151821338-G-A.
Other names: p.Thr596Met; c.1787C>T, p.Thr596Met (NM_001199282.3, NM_001367550.1, NM_006726.5); short protein forms T596M.
Identifiers: ClinVar variation 947948 (VCV000947948.8), dbSNP rs779175495, ClinGen allele CA3103470.